The following is an entry in ClinVar:

NM_005912.3(MC4R):c.848A>G (p.His283Arg)

Gene: MC4R (melanocortin 4 receptor; minus strand). Cytogenetic location: 18q21.32.
Variant type: single nucleotide variant.
Coding change: c.848A>G on transcript NM_005912.3 (MANE Select); coding-DNA position 848, A replaced by G.
Protein change: p.His283Arg; replaces histidine 283 with arginine.
Molecular consequence: missense variant.
Genome position (GRCh38, 1-based): chr18:60,371,502, T>C on the plus strand (A>G on the coding strand, the complement: MC4R is on the minus strand). VCF-style: chr18-60371502-T-C. GRCh37 (hg19) VCF-style: chr18-58038735-T-C.
Other names: short protein forms H283R.
Identifiers: ClinVar variation 4988976 (VCV004988976.1).

ClinVar aggregate classification (germline): Uncertain significance (1 of 4 stars; one submission).

Conditions:
MC4R-related disorder. Also called: MC4R-related condition.

Submission:

PreventionGenetics, part of Exact Sciences
Classification: Uncertain significance for MC4R-related condition. Last evaluated: 2025-11-05. Review status: criteria provided, single submitter. Criteria: ACMG Guidelines, 2015. Collection method: clinical testing. Allele origin: germline.
Comment: The MC4R c.848A>G variant is predicted to result in the amino acid substitution p.His283Arg. To our knowledge, this variant has not been reported in the literature or in a large population database (gnomAD), indicating this variant is rare. At this time, the clinical significance of this variant is uncertain due to the absence of conclusive functional and genetic evidence.